The following is an entry in ClinVar:

ClinVar aggregate classification (germline): Uncertain significance (1 of 4 stars; one submission).

gnomAD v4.1: 1 of 1,614,086 alleles (0.000062%); highest among the groups gnomAD compares: Non-Finnish European, 0.000085%; no homozygotes.

Submission:

Labcorp Genetics (formerly Invitae), Labcorp
Classification: Uncertain significance. Last evaluated: 2024-12-12. Review status: criteria provided, single submitter. Criteria: Invitae Variant Classification Sherloc (09022015). Collection method: clinical testing. Allele origin: germline.
Comment: This sequence change replaces threonine, which is neutral and polar, with proline, which is neutral and non-polar, at codon 557 of the ALPK1 protein (p.Thr557Pro). This variant is not present in population databases (gnomAD no frequency). This variant has not been reported in the literature in individuals affected with ALPK1-related conditions. Invitae Evidence Modeling of protein sequence and biophysical properties (such as structural, functional, and spatial information, amino acid conservation, physicochemical variation, residue mobility, and thermodynamic stability) indicates that this missense variant is not expected to disrupt ALPK1 protein function with a negative predictive value of 80%. In summary, the available evidence is currently insufficient to determine the role of this variant in disease. Therefore, it has been classified as a Variant of Uncertain Significance.

NM_025144.4(ALPK1):c.1669A>C (p.Thr557Pro)

Gene: ALPK1 (alpha kinase 1; plus strand). Cytogenetic location: 4q25.
Variant type: single nucleotide variant.
Coding change: c.1669A>C on transcript NM_025144.4 (MANE Select); coding-DNA position 1669, A replaced by C.
Protein change: p.Thr557Pro; replaces threonine 557 with proline.
Molecular consequence: missense variant.
Genome position (GRCh38, 1-based): chr4:112,431,216, A>C. VCF-style: chr4-112431216-A-C. GRCh37 (hg19) VCF-style: chr4-113352372-A-C.
Other names: c.1669A>C, p.Thr557Pro (NM_001102406.2); c.1435A>C, p.Thr479Pro (NM_001253884.2); short protein forms T479P, T557P.
Identifiers: ClinVar variation 3667240 (VCV003667240.2).